The following is an entry in ClinVar:

NM_024079.5(ALG8):c.1388A>G (p.Tyr463Cys)

Gene: ALG8 (ALG8 alpha-1,3-glucosyltransferase; minus strand). Cytogenetic location: 11q14.1.
Variant type: single nucleotide variant.
Coding change: c.1388A>G on transcript NM_024079.5 (MANE Select); coding-DNA position 1388, A replaced by G.
Protein change: p.Tyr463Cys; replaces tyrosine 463 with cysteine.
Molecular consequence: missense variant. On other transcripts: 3 prime UTR variant (1).
Genome position (GRCh38, 1-based): chr11:78,101,157, T>C on the plus strand (A>G on the coding strand, the complement: ALG8 is on the minus strand). VCF-style: chr11-78101157-T-C. GRCh37 (hg19) VCF-style: chr11-77812203-T-C.
Other names: c.*59A>G (NM_001007027.3, NM_001425236.1, NM_001425237.1 and 1 more transcripts); c.1391A>G, p.Tyr464Cys (NM_001425219.1); c.1373A>G, p.Tyr458Cys (NM_001425220.1); c.1313A>G, p.Tyr438Cys (NM_001425221.1); c.1412A>G, p.Tyr471Cys (NM_001425222.1); c.1382A>G, p.Tyr461Cys (NM_001425223.1); c.1481A>G, p.Tyr494Cys (NM_001425224.1); c.1436A>G, p.Tyr479Cys (NM_001425225.1); and 15 more; short protein forms T313A, T439A, Y278C, Y291C, Y299C, Y335C, Y354C, Y375C.
Identifiers: ClinVar variation 2631013 (VCV002631013.1), dbSNP rs1859778993, ClinGen allele CA382109868.

ClinVar aggregate classification (germline): Uncertain significance (1 of 4 stars; one submission).

Conditions:
ALG8-related disorder.

Allele frequency attached by ClinVar (database versions not stated): gnomAD exomes below 0.00001; TOPMed 0.00001.

Submission:

PreventionGenetics, part of Exact Sciences
Classification: Uncertain significance for ALG8-related condition. Last evaluated: 2023-08-11. Review status: criteria provided, single submitter. Criteria: ACMG Guidelines, 2015. Collection method: clinical testing. Allele origin: germline.
Comment: The ALG8 c.1388A>G variant is predicted to result in the amino acid substitution p.Tyr463Cys. To our knowledge, this variant has not been reported in the literature or in a large population database, indicating this variant is rare. At this time, the clinical significance of this variant is uncertain due to the absence of conclusive functional and genetic evidence.